The following is an entry in ClinVar:

NM_001130144.3(LTBP3):c.568G>T (p.Val190Leu)

Gene: LTBP3 (latent transforming growth factor beta binding protein 3; minus strand). Cytogenetic location: 11q13.1.
Variant type: single nucleotide variant.
Coding change: c.568G>T on transcript NM_001130144.3 (MANE Select); coding-DNA position 568, G replaced by T.
Protein change: p.Val190Leu; replaces valine 190 with leucine.
Molecular consequence: missense variant.
Genome position (GRCh38, 1-based): chr11:65,554,144, C>A on the plus strand (G>T on the coding strand, the complement: LTBP3 is on the minus strand). VCF-style: chr11-65554144-C-A. GRCh37 (hg19) VCF-style: chr11-65321615-C-A.
Other names: c.217G>T, p.Val73Leu (NM_001164266.1); c.568G>T, p.Val190Leu (NM_021070.4); short protein forms V73L, V190L.
Identifiers: ClinVar variation 4722404 (VCV004722404.1).

ClinVar aggregate classification (germline): Uncertain significance (1 of 4 stars; one submission).

Conditions:
Brachyolmia-amelogenesis imperfecta syndrome. Also called: PLATYSPONDYLY WITH AMELOGENESIS IMPERFECTA; Tooth agenesis, selective, 6; Dental anomalies and short stature. Identifiers: Orphanet 2899, MedGen C1832594, MONDO:0011018, OMIM 601216. Disease mechanism: loss of function.

gnomAD v4.1: 1 of 1,612,052 alleles (0.000062%); highest among the groups gnomAD compares: Non-Finnish European, 0.000085%; no homozygotes.

Submission:

Labcorp Genetics (formerly Invitae), Labcorp
Classification: Uncertain significance for Brachyolmia-amelogenesis imperfecta syndrome. Last evaluated: 2025-09-02. Review status: criteria provided, single submitter. Criteria: Invitae Variant Classification Sherloc (09022015). Collection method: clinical testing. Allele origin: germline.
Comment: This sequence change replaces valine, which is neutral and non-polar, with leucine, which is neutral and non-polar, at codon 190 of the LTBP3 protein (p.Val190Leu). This variant is not present in population databases (gnomAD no frequency). This variant has not been reported in the literature in individuals affected with LTBP3-related conditions. An algorithm developed to predict the effect of missense changes on protein structure and function (PolyPhen-2) suggests that this variant is likely to be disruptive. In summary, the available evidence is currently insufficient to determine the role of this variant in disease. Therefore, it has been classified as a Variant of Uncertain Significance.